The following is an entry in ClinVar:

NM_032833.5(PPP1R15B):c.636C>T (p.Arg212=)

Gene: PPP1R15B (protein phosphatase 1 regulatory subunit 15B; minus strand). Cytogenetic location: 1q32.1.
Variant type: single nucleotide variant.
Coding change: c.636C>T on transcript NM_032833.5 (MANE Select); coding-DNA position 636, C replaced by T.
Protein change: p.Arg212=; no amino-acid change (arginine 212 retained).
Molecular consequence: synonymous variant.
Genome position (GRCh38, 1-based): chr1:204,410,776, G>A on the plus strand (C>T on the coding strand, the complement: PPP1R15B is on the minus strand). VCF-style: chr1-204410776-G-A. GRCh37 (hg19) VCF-style: chr1-204379904-G-A.
Identifiers: ClinVar variation 4821355 (VCV004821355.4).

ClinVar aggregate classification (germline): Likely benign (1 of 4 stars; one submission).

gnomAD v4.1: 33 of 1,614,108 alleles (0.002%); highest among the groups gnomAD compares: Non-Finnish European, 0.0026%; no homozygotes.

Submission:

CeGaT Center for Human Genetics Tuebingen
Classification: Likely benign. Last evaluated: 2026-01-01. Review status: criteria provided, single submitter. Criteria: CeGaT Center For Human Genetics Tuebingen Variant Classification Criteria Version 2. Collection method: clinical testing. Allele origin: germline. Affected: yes. Observed: 1 variant allele.
Comment: PPP1R15B: BP4, BP7